The following is an entry in ClinVar:

NM_001379081.2(FREM1):c.1533C>T (p.Pro511=)

Gene: FREM1 (FRAS1 related extracellular matrix 1; minus strand). Cytogenetic location: 9p22.3.
Variant type: single nucleotide variant.
Coding change: c.1533C>T on transcript NM_001379081.2 (MANE Select); coding-DNA position 1533, C replaced by T.
Protein change: p.Pro511=; no amino-acid change (proline 511 retained).
Molecular consequence: synonymous variant. On other transcripts: non-coding transcript variant (2).
Genome position (GRCh38, 1-based): chr9:14,842,521, G>A on the plus strand (C>T on the coding strand, the complement: FREM1 is on the minus strand). VCF-style: chr9-14842521-G-A. GRCh37 (hg19) VCF-style: chr9-14842519-G-A.
Other names: c.1533C>T, p.Pro511= (NM_144966.7).
Identifiers: ClinVar variation 4281412 (VCV004281412.7).

ClinVar aggregate classification (germline): Likely benign (1 of 4 stars; one submission).

gnomAD v4.1: 1 of 1,614,034 alleles (0.000062%); no homozygotes.

Submission:

CeGaT Center for Human Genetics Tuebingen
Classification: Likely benign. Last evaluated: 2025-09-01. Review status: criteria provided, single submitter. Criteria: CeGaT Center For Human Genetics Tuebingen Variant Classification Criteria Version 2. Collection method: clinical testing. Allele origin: germline. Affected: yes. Observed: 1 variant allele.
Comment: FREM1: BP4, BP7